The following is an entry in ClinVar:

NM_001042492.3(NF1):c.8129G>T (p.Gly2710Val)

Gene: NF1 (neurofibromin 1; plus strand). Cytogenetic location: 17q11.2.
Variant type: single nucleotide variant.
Coding change: c.8129G>T on transcript NM_001042492.3 (MANE Select); coding-DNA position 8129, G replaced by T.
Protein change: p.Gly2710Val; replaces glycine 2710 with valine.
Molecular consequence: missense variant.
Genome position (GRCh38, 1-based): chr17:31,358,984, G>T. VCF-style: chr17-31358984-G-T. GRCh37 (hg19) VCF-style: chr17-29686002-G-T.
Other names: c.8066G>T, p.Gly2689Val (NM_000267.4); short protein forms G2689V, G2710V.
Identifiers: ClinVar variation 1063396 (VCV001063396.8), dbSNP rs1597868740, ClinGen allele CA399204149.
Genomic context (GRCh38, chr17:31,358,984, plus strand): 5'-AAAGATACCTTGCTTGTTATAAGAGTAAAATTTGATTTGTTGCAGGTTTTGGTTTTAATG[G>T]CTTGTGGCGGTTTGCAGGACCGTTTTCAAAGGTAAGAAAATATATTTTTCTCTAACTTTT-3'
Protein context (NP_001035957.1, residues 2700-2720): TSYLQSFGFN[Gly2710Val]LWRFAGPFSK

ClinVar aggregate classification (germline): Uncertain significance. Review status: criteria provided, multiple submitters, no conflicts (2 of 4 stars). 2 submissions from 2 submitters: Uncertain significance (2). Last evaluated 2024-05-28.

Conditions:
Cardiovascular phenotype. Identifiers: MedGen CN230736.
Hereditary cancer-predisposing syndrome. Also called: Tumor predisposition; Neoplastic Syndromes, Hereditary; Hereditary Cancer Syndrome; Hereditary neoplastic syndrome. Identifiers: Orphanet 140162, MedGen C0027672, MeSH D009386, MONDO:0015356.
Neurofibromatosis, type 1 (NF1). Also called: NEUROFIBROMATOSIS, TYPE I, SOMATIC; Neurofibromatosis, type I; VON RECKLINGHAUSEN DISEASE; Peripheral type neurofibromatosis. Identifiers: Orphanet 636, MedGen C0027831, MONDO:0018975, OMIM 162200. Disease mechanism: loss of function.

Submissions (2):

Labcorp Genetics (formerly Invitae), Labcorp
Classification: Uncertain significance for Neurofibromatosis, type 1. Last evaluated: 2024-05-28. Review status: criteria provided, single submitter. Criteria: Invitae Variant Classification Sherloc (09022015). Collection method: clinical testing. Allele origin: germline.
Comment: This sequence change replaces glycine, which is neutral and non-polar, with valine, which is neutral and non-polar, at codon 2689 of the NF1 protein (p.Gly2689Val). This variant is not present in population databases (gnomAD no frequency). This variant has not been reported in the literature in individuals affected with NF1-related conditions. ClinVar contains an entry for this variant (Variation ID: 1063396). Advanced modeling of protein sequence and biophysical properties (such as structural, functional, and spatial information, amino acid conservation, physicochemical variation, residue mobility, and thermodynamic stability) performed at Invitae indicates that this missense variant is expected to disrupt NF1 protein function with a positive predictive value of 95%. In summary, the available evidence is currently insufficient to determine the role of this variant in disease. Therefore, it has been classified as a Variant of Uncertain Significance.

Ambry Genetics
Classification: Uncertain significance for Cardiovascular phenotype; Hereditary cancer-predisposing syndrome. Last evaluated: 2023-01-18. Review status: criteria provided, single submitter. Criteria: Ambry Variant Classification Scheme 2023. Collection method: clinical testing. Allele origin: germline.
Comment: The p.G2689V variant (also known as c.8066G>T), located in coding exon 55 of the NF1 gene, results from a G to T substitution at nucleotide position 8066. The glycine at codon 2689 is replaced by valine, an amino acid with dissimilar properties. This amino acid position is highly conserved in available vertebrate species. In addition, this alteration is predicted to be deleterious by in silico analysis. Since supporting evidence is limited at this time, the clinical significance of this alteration remains unclear.